The following is an entry in ClinVar:

NM_000051.4(ATM):c.3403-7T>C

Gene: ATM (ATM serine/threonine kinase; plus strand). Cytogenetic location: 11q22.3.
Variant type: single nucleotide variant.
Coding change: c.3403-7T>C on transcript NM_000051.4 (MANE Select); 7 bases into the intron before coding-DNA position 3403, T replaced by C.
Molecular consequence: intron variant.
Genome position (GRCh38, 1-based): chr11:108,280,988, T>C. VCF-style: chr11-108280988-T-C. GRCh37 (hg19) VCF-style: chr11-108151715-T-C.
Other names: c.3403-7T>C (NM_001351834.2).
Identifiers: ClinVar variation 759563 (VCV000759563.10), dbSNP rs1335592958, ClinGen allele CA601718735.
Genomic context (GRCh38, chr11:108,280,988, plus strand): 5'-GGATTTTATAATTGATTGTTAAACATTTACATTTTACATTACATTTTTTTTTTAATTTCT[T>C]TTTAAGTCCCATAGTGCTGAGAACCCTGAAACTTTGGATGAAATTTATAATAGAAAATCT-3'

ClinVar aggregate classification (germline): Likely benign. Review status: criteria provided, multiple submitters, no conflicts (2 of 4 stars). 2 submissions from 2 submitters: Likely benign (2). Last evaluated 2025-10-07.

Conditions:
Familial cancer of breast. Also called: Hereditary breast cancer; BREAST CANCER, FAMILIAL; hereditary breast carcinoma. Identifiers: Orphanet 227535, MedGen C0346153, MONDO:0016419, OMIM 114480. Disease mechanism: loss of function.
Ataxia-telangiectasia syndrome (AT). Also called: Ataxia telangiectasia (A-T); Cerebello-oculocutaneous telangiectasia; Immunodeficiency with ataxia telangiectasia; LOUIS-BAR SYNDROME; ATAXIA-TELANGIECTASIA, FRESNO VARIANT; Ataxia-telangiectasia, complementation group D. Identifiers: Orphanet 100, MedGen C0004135, MONDO:0008840, OMIM 208900.

Submissions (2):

Labcorp Genetics (formerly Invitae), Labcorp
Classification: Likely benign for Ataxia-telangiectasia syndrome. Last evaluated: 2025-10-07. Review status: criteria provided, single submitter. Criteria: Invitae Variant Classification Sherloc (09022015). Collection method: clinical testing. Allele origin: germline.

Myriad Genetics, Inc.
Classification: Likely benign for Familial cancer of breast. Last evaluated: 2024-05-14. Review status: criteria provided, single submitter. Criteria: Myriad Autosomal Dominant, Autosomal Recessive and X-Linked Classification Criteria (2023). Collection method: clinical testing. Allele origin: unknown.
Comment: This variant is considered likely benign. This variant is intronic and is not expected to impact mRNA splicing.